The following is an entry in ClinVar:

ClinVar aggregate classification (germline): Benign. Review status: criteria provided, multiple submitters, no conflicts (2 of 4 stars). 4 submissions from 4 submitters: Benign (4). Last evaluated 2026-02-04.

Conditions:
Primary dilated cardiomyopathy (DCM). Also called: Dilated Cardiomyopathy. Identifiers: Orphanet 217604, MedGen C0007193, MeSH D002311, MONDO:0005021, HP:0001644. Inheritance: Various modes of inheritance.
Cardiovascular phenotype. Identifiers: MedGen CN230736.

Allele frequency attached by ClinVar (database versions not stated): gnomAD exomes 0.16309 and 0.17523; ExAC 0.18532; gnomAD 0.26896 and 0.27722; 1000 Genomes Project 0.26917; 1000 Genomes Project 30x 0.27826; TOPMed 0.28540; ESP Exome Variant Server 0.29194.
gnomAD v4.1: 280,359 of 1,613,250 alleles (17%); highest among the groups gnomAD compares: African/African-American, 56%; 31,448 homozygotes.

Submissions (4):

Labcorp Genetics (formerly Invitae), Labcorp
Classification: Benign for Primary dilated cardiomyopathy. Last evaluated: 2026-02-04. Review status: criteria provided, single submitter. Criteria: Invitae Variant Classification Sherloc (09022015). Collection method: clinical testing. Allele origin: germline.

GeneDx
Classification: Benign. Last evaluated: 2016-09-22. Review status: criteria provided, single submitter. Criteria: GeneDx Variant Classification (06012015). Collection method: clinical testing. Allele origin: germline. Affected: yes.
Comment: This variant is considered likely benign or benign based on one or more of the following criteria: it is a conservative change, it occurs at a poorly conserved position in the protein, it is predicted to be benign by multiple in silico algorithms, and/or has population frequency not consistent with disease.

Ambry Genetics
Classification: Benign for Cardiovascular phenotype. Last evaluated: 2015-06-18. Review status: criteria provided, single submitter. Criteria: Ambry Variant Classification Scheme 2023. Collection method: clinical testing. Allele origin: germline.

Breakthrough Genomics
Classification: Benign. Review status: criteria provided, single submitter. Criteria: ACMG Guidelines, 2015. Collection method: not provided. Allele origin: germline. Inheritance: Autosomal recessive inheritance. Affected: yes.

NM_006440.5(TXNRD2):c.1206G>A (p.Pro402=)

Gene: TXNRD2 (thioredoxin reductase 2; minus strand). Cytogenetic location: 22q11.21.
Variant type: single nucleotide variant.
Coding change: c.1206G>A on transcript NM_006440.5 (MANE Select); coding-DNA position 1206, G replaced by A.
Protein change: p.Pro402=; no amino-acid change (proline 402 retained).
Molecular consequence: synonymous variant. On other transcripts: non-coding transcript variant (1).
Genome position (GRCh38, 1-based): chr22:19,880,248, C>T on the plus strand (G>A on the coding strand, the complement: TXNRD2 is on the minus strand). VCF-style: chr22-19880248-C-T. GRCh37 (hg19) VCF-style: chr22-19867771-C-T.
Other names: c.1203G>A, p.Pro401= (NM_001352300.2); c.1116G>A, p.Pro372= (NM_001352301.2); c.918G>A, p.Pro306= (NM_001352302.2).
Identifiers: ClinVar variation 263385 (VCV000263385.15), dbSNP rs1139795, ClinGen allele CA10103740.